The following is an entry in ClinVar:

NM_000051.4(ATM):c.7694dup (p.Asn2565fs)

Genes: ATM (ATM serine/threonine kinase; plus strand), C11orf65 (chromosome 11 open reading frame 65; minus strand). Cytogenetic location: 11q22.3.
Variant type: Duplication.
Coding change: c.7694dup on transcript NM_000051.4 (MANE Select); coding-DNA position 7694, one base duplicated (A; older notation c.7694dupA).
Protein change: p.Asn2565fs; shifts the reading frame from asparagine 2565.
Molecular consequence: frameshift variant. On other transcripts: intron variant (2).
Genome position (GRCh38, 1-based): chr11:108,331,943, A duplicated; the last of 3 consecutive A bases (chr11:108,331,941-108,331,943); duplicating any one gives the same sequence. VCF-style (leftmost placement, unchanged base first): chr11-108331940-C-CA. GRCh37 (hg19) VCF-style: chr11-108202667-C-CA.
Other names: c.7694dupA (NM_000051.3); c.7694dup, p.Asn2565fs (NM_001351834.2); c.641-22870dup (NM_001330368.2); c.*38+3279dup (NM_001351110.2); short protein forms N2565fs.
Identifiers: ClinVar variation 827197 (VCV000827197.14), dbSNP rs1591171790, ClinGen allele CA915948295.

ClinVar aggregate classification (germline): Pathogenic/Likely pathogenic. Review status: criteria provided, multiple submitters, no conflicts (2 of 4 stars). 4 submissions from 4 submitters: Pathogenic (3); Likely pathogenic (1). Last evaluated 2025-09-22.

Conditions:
Hereditary cancer-predisposing syndrome. Also called: Tumor predisposition; Neoplastic Syndromes, Hereditary; Hereditary Cancer Syndrome; Hereditary neoplastic syndrome. Identifiers: Orphanet 140162, MedGen C0027672, MeSH D009386, MONDO:0015356.
Familial cancer of breast. Also called: Hereditary breast cancer; BREAST CANCER, FAMILIAL; hereditary breast carcinoma. Identifiers: Orphanet 227535, MedGen C0346153, MONDO:0016419, OMIM 114480. Disease mechanism: loss of function.
Ataxia-telangiectasia syndrome (AT). Also called: ATAXIA-TELANGIECTASIA, COMPLEMENTATION GROUP A; ATAXIA-TELANGIECTASIA, FRESNO VARIANT; Ataxia-telangiectasia; Ataxia-telangiectasia, complementation group D; AT, COMPLEMENTATION GROUP C; Ataxia-telangiectasia, complementation group E. Identifiers: Orphanet 100, MedGen C0004135, MONDO:0008840, OMIM 208900.

Submissions (4):

Labcorp Genetics (formerly Invitae), Labcorp
Classification: Pathogenic for Ataxia-telangiectasia syndrome. Last evaluated: 2025-09-22. Review status: criteria provided, single submitter. Criteria: Invitae Variant Classification Sherloc (09022015). Collection method: clinical testing. Allele origin: germline.
Comment: This sequence change creates a premature translational stop signal (p.Asn2565Lysfs*6) in the ATM gene. It is expected to result in an absent or disrupted protein product. Loss-of-function variants in ATM are known to be pathogenic (PMID: 23807571, 25614872). This variant is not present in population databases (gnomAD no frequency). This variant has not been reported in the literature in individuals affected with ATM-related conditions. ClinVar contains an entry for this variant (Variation ID: 827197). Algorithms developed to predict the effect of sequence changes on RNA splicing suggest that this variant may disrupt the consensus splice site. For these reasons, this variant has been classified as Pathogenic.

Myriad Genetics, Inc.
Classification: Pathogenic for Familial cancer of breast. Last evaluated: 2023-04-03. Review status: criteria provided, single submitter. Criteria: Myriad Autosomal Dominant, Autosomal Recessive and X-Linked Classification Criteria (2023). Collection method: clinical testing. Allele origin: unknown.
Comment: This variant is considered pathogenic. This variant creates a frameshift predicted to result in premature protein truncation.

Baylor Genetics
Classification: Likely pathogenic for Familial cancer of breast. Last evaluated: 2021-11-30. Review status: criteria provided, single submitter. Criteria: ACMG Guidelines, 2015. Collection method: clinical testing. Allele origin: unknown.

Ambry Genetics
Classification: Pathogenic for Hereditary cancer-predisposing syndrome. Last evaluated: 2019-09-04. Review status: criteria provided, single submitter. Criteria: Ambry Variant Classification Scheme 2023. Collection method: clinical testing. Allele origin: germline.
Comment: The c.7694dupA pathogenic mutation, located in coding exon 51 of the ATM gene, results from a duplication of A at nucleotide position 7694, causing a translational frameshift with a predicted alternate stop codon (p.N2565Kfs*6). This alteration is expected to result in loss of function by premature protein truncation or nonsense-mediated mRNA decay. As such, this alteration is interpreted as a disease-causing mutation.

Literature cited by the submitters: PubMed 23807571 (cited by Labcorp Genetics (formerly Invitae), Labcorp); PubMed 25614872 (cited by Labcorp Genetics (formerly Invitae), Labcorp).